The following is an entry in ClinVar:

NM_015662.3(IFT172):c.2047C>G (p.Gln683Glu)

Gene: IFT172 (intraflagellar transport 172; minus strand). Cytogenetic location: 2p23.3.
Variant type: single nucleotide variant.
Coding change: c.2047C>G on transcript NM_015662.3 (MANE Select); coding-DNA position 2047, C replaced by G.
Protein change: p.Gln683Glu; replaces glutamine 683 with glutamic acid.
Molecular consequence: missense variant.
Genome position (GRCh38, 1-based): chr2:27,462,769, G>C on the plus strand (C>G on the coding strand, the complement: IFT172 is on the minus strand). VCF-style: chr2-27462769-G-C. GRCh37 (hg19) VCF-style: chr2-27685636-G-C.
Other names: c.1981C>G, p.Gln661Glu (NM_001410739.1); short protein forms Q661E, Q683E.
Identifiers: ClinVar variation 2016213 (VCV002016213.4), dbSNP rs2465886562, ClinGen allele CA346385166.
Genomic context (GRCh38, chr2:27,462,769, plus strand): 5'-AAAAGATCATTTCAGCCAGTTTGTAGTTCTTTTCCAGCATGGCTAGACGTGCTCGGACCT[G>C]ATAAAAGTCTGTTCCTTCTCCGCCCTGTGGGGGAAAAAGGAGGTTCTGATTTTTCTGTAG-3'
Protein context (NP_056477.1, residues 673-693): EYGGEGTDFY[Gln683Glu]VRARLAMLEK

ClinVar aggregate classification (germline): Uncertain significance (1 of 4 stars; one submission).

Conditions:
Retinitis pigmentosa 71 (RP71). Identifiers: Orphanet 791, MedGen C4225342, MONDO:0014618, OMIM 616394.
Short-rib thoracic dysplasia 10 with or without polydactyly (SRTD10). Identifiers: Orphanet 474, MedGen C3810175, MONDO:0014284, OMIM 615630.

Submission:

Labcorp Genetics (formerly Invitae), Labcorp
Classification: Uncertain significance for Retinitis pigmentosa 71; Short-rib thoracic dysplasia 10 with or without polydactyly. Last evaluated: 2022-07-11. Review status: criteria provided, single submitter. Criteria: Invitae Variant Classification Sherloc (09022015). Collection method: clinical testing. Allele origin: germline.
Comment: In summary, the available evidence is currently insufficient to determine the role of this variant in disease. Therefore, it has been classified as a Variant of Uncertain Significance. Algorithms developed to predict the effect of missense changes on protein structure and function (SIFT, PolyPhen-2, Align-GVGD) all suggest that this variant is likely to be tolerated. This variant has not been reported in the literature in individuals affected with IFT172-related conditions. This variant is not present in population databases (gnomAD no frequency). This sequence change replaces glutamine, which is neutral and polar, with glutamic acid, which is acidic and polar, at codon 683 of the IFT172 protein (p.Gln683Glu).